The following is an entry in ClinVar:

ClinVar aggregate classification (germline): Uncertain significance (1 of 4 stars; one submission).

Conditions:
KBG syndrome (KBGS). Also called: ANKRD11-Related KBG Syndrome. Identifiers: Orphanet 2332, MedGen C0220687, MONDO:0007846, OMIM 148050.

gnomAD v4.1: 7 of 1,611,844 alleles (0.00043%); highest among the groups gnomAD compares: South Asian, 0.0022%; no homozygotes.

Submission:

Labcorp Genetics (formerly Invitae), Labcorp
Classification: Uncertain significance for KBG syndrome. Last evaluated: 2024-05-29. Review status: criteria provided, single submitter. Criteria: Invitae Variant Classification Sherloc (09022015). Collection method: clinical testing. Allele origin: germline.
Comment: This sequence change replaces alanine, which is neutral and non-polar, with threonine, which is neutral and polar, at codon 2426 of the ANKRD11 protein (p.Ala2426Thr). This variant is present in population databases (rs755232209, gnomAD 0.0009%). This variant has not been reported in the literature in individuals affected with ANKRD11-related conditions. Advanced modeling of protein sequence and biophysical properties (such as structural, functional, and spatial information, amino acid conservation, physicochemical variation, residue mobility, and thermodynamic stability) performed at Invitae indicates that this missense variant is not expected to disrupt ANKRD11 protein function with a negative predictive value of 95%. In summary, the available evidence is currently insufficient to determine the role of this variant in disease. Therefore, it has been classified as a Variant of Uncertain Significance.

NM_013275.6(ANKRD11):c.7276G>A (p.Ala2426Thr)

Gene: ANKRD11 (ankyrin repeat domain 11; minus strand). Cytogenetic location: 16q24.3.
Variant type: single nucleotide variant.
Coding change: c.7276G>A on transcript NM_013275.6 (MANE Select); coding-DNA position 7276, G replaced by A.
Protein change: p.Ala2426Thr; replaces alanine 2426 with threonine.
Molecular consequence: missense variant.
Genome position (GRCh38, 1-based): chr16:89,279,266, C>T on the plus strand (G>A on the coding strand, the complement: ANKRD11 is on the minus strand). VCF-style: chr16-89279266-C-T. GRCh37 (hg19) VCF-style: chr16-89345674-C-T.
Other names: c.7276G>A, p.Ala2426Thr (NM_001256182.2, NM_001256183.2); short protein forms A2426T.
Identifiers: ClinVar variation 3692270 (VCV003692270.2).